The following is an entry in ClinVar:

ClinVar aggregate classification (germline): Uncertain significance. Review status: criteria provided, multiple submitters, no conflicts (2 of 4 stars). 2 submissions from 2 submitters: Uncertain significance (2). Last evaluated 2025-06-20.

Conditions:
Inborn genetic diseases. Identifiers: MedGen C0950123, MeSH D030342.

Allele frequency attached by ClinVar (database versions not stated): 1000 Genomes Project 30x 0.00016; 1000 Genomes Project 0.00020; gnomAD 0.00024 and 0.00027; TOPMed 0.00030; ESP Exome Variant Server 0.00054.

Submissions (2):

Labcorp Genetics (formerly Invitae), Labcorp
Classification: Uncertain significance. Last evaluated: 2025-06-20. Review status: criteria provided, single submitter. Criteria: Invitae Variant Classification Sherloc (09022015). Collection method: clinical testing. Allele origin: germline.
Comment: This sequence change replaces valine, which is neutral and non-polar, with alanine, which is neutral and non-polar, at codon 11 of the NDUFB8 protein (p.Val11Ala). This variant is present in population databases (rs146449373, gnomAD 0.07%), and has an allele count higher than expected for a pathogenic variant. This variant has not been reported in the literature in individuals affected with NDUFB8-related conditions. ClinVar contains an entry for this variant (Variation ID: 1407999). An algorithm developed to predict the effect of missense changes on protein structure and function (PolyPhen-2) suggests that this variant is likely to be tolerated. In summary, the available evidence is currently insufficient to determine the role of this variant in disease. Therefore, it has been classified as a Variant of Uncertain Significance.

Ambry Genetics
Classification: Uncertain significance for Inborn genetic diseases. Last evaluated: 2024-03-05. Review status: criteria provided, single submitter. Criteria: Ambry Variant Classification Scheme 2023. Collection method: clinical testing. Allele origin: germline.

NM_005004.4(NDUFB8):c.32T>C (p.Val11Ala)

Gene: NDUFB8 (NADH:ubiquinone oxidoreductase subunit B8; minus strand). Cytogenetic location: 10q24.31.
Variant type: single nucleotide variant.
Coding change: c.32T>C on transcript NM_005004.4 (MANE Select); coding-DNA position 32, T replaced by C.
Protein change: p.Val11Ala; replaces valine 11 with alanine.
Molecular consequence: missense variant. On other transcripts: intron variant (1).
Genome position (GRCh38, 1-based): chr10:100,529,820, A>G on the plus strand (T>C on the coding strand, the complement: NDUFB8 is on the minus strand). VCF-style: chr10-100529820-A-G. GRCh37 (hg19) VCF-style: chr10-102289577-A-G.
Other names: c.32T>C, p.Val11Ala (NM_001284367.2); c.-9+38T>C (NM_001284368.1); c.32T>C (NM_005004.2); short protein forms V11A.
Identifiers: ClinVar variation 1407999 (VCV001407999.8), dbSNP rs146449373, ClinGen allele CA5650296.
Genomic context (GRCh38, chr10:100,529,820, plus strand): 5'-CGCGGACCTGTCCGTGCGCCCAGCGGCATCACGTTCCGGGATGCCCTTTGCAGCCACTGG[A>G]CTCCCAAGACCCCGGCCCTGGCCACCGCCATCTTCACCTTCTTCACGTTTCCCTTCTGCA-3'
Protein context (NP_004995.1, residues 1-21): MAVARAGVLG[Val11Ala]QWLQRASRNV